The following is an entry in ClinVar:

ClinVar aggregate classification (germline): Uncertain significance (1 of 4 stars; one submission).

gnomAD v4.1: 4 of 1,614,008 alleles (0.00025%); highest among the groups gnomAD compares: East Asian, 0.0022%; no homozygotes.

Submission:

Labcorp Genetics (formerly Invitae), Labcorp
Classification: Uncertain significance. Last evaluated: 2022-07-03. Review status: criteria provided, single submitter. Criteria: Invitae Variant Classification Sherloc (09022015). Collection method: clinical testing. Allele origin: germline.
Comment: This sequence change replaces aspartic acid, which is acidic and polar, with glycine, which is neutral and non-polar, at codon 66 of the MYO5B protein (p.Asp66Gly). This variant is not present in population databases (gnomAD no frequency). This variant has not been reported in the literature in individuals affected with MYO5B-related conditions. Algorithms developed to predict the effect of missense changes on protein structure and function are either unavailable or do not agree on the potential impact of this missense change (SIFT: "Deleterious"; PolyPhen-2: "Probably Damaging"; Align-GVGD: "Class C0"). In summary, the available evidence is currently insufficient to determine the role of this variant in disease. Therefore, it has been classified as a Variant of Uncertain Significance.

NM_001080467.3(MYO5B):c.197A>G (p.Asp66Gly)

Gene: MYO5B (myosin VB; minus strand). Cytogenetic location: 18q21.1.
Variant type: single nucleotide variant.
Coding change: c.197A>G on transcript NM_001080467.3 (MANE Select); coding-DNA position 197, A replaced by G.
Protein change: p.Asp66Gly; replaces aspartic acid 66 with glycine.
Molecular consequence: missense variant.
Genome position (GRCh38, 1-based): chr18:50,040,256, T>C on the plus strand (A>G on the coding strand, the complement: MYO5B is on the minus strand). VCF-style: chr18-50040256-T-C. GRCh37 (hg19) VCF-style: chr18-47566626-T-C.
Other names: short protein forms D66G.
Identifiers: ClinVar variation 2089811 (VCV002089811.1), dbSNP rs117920737, ClinGen allele CA402510428.